The following is an entry in ClinVar:

ClinVar aggregate classification (germline): Pathogenic/Likely pathogenic. Review status: criteria provided, multiple submitters, no conflicts (2 of 4 stars). 2 submissions from 2 submitters: Pathogenic (1); Likely pathogenic (1). Last evaluated 2024-04-25.

Conditions:
Thyroid dyshormonogenesis 6 (TDH6). Also called: HYPOTHYROIDISM, CONGENITAL, DUE TO DYSHORMONOGENESIS, 6; THYROID HORMONOGENESIS, GENETIC DEFECT IN, 6; Genetic transient congenital hypothyroidism. Identifiers: Orphanet 226316, Orphanet 95716, MedGen C1846632, MONDO:0011792, OMIM 607200.

Submissions (2):

Fulgent Genetics
Classification: Likely pathogenic for Thyroid dyshormonogenesis 6. Last evaluated: 2024-04-25. Review status: criteria provided, single submitter. Criteria: ACMG Guidelines, 2015. Collection method: clinical testing. Allele origin: germline.

Labcorp Genetics (formerly Invitae), Labcorp
Classification: Pathogenic. Last evaluated: 2024-01-04. Review status: criteria provided, single submitter. Criteria: Invitae Variant Classification Sherloc (09022015). Collection method: clinical testing. Allele origin: germline.
Comment: This sequence change creates a premature translational stop signal (p.Glu805*) in the DUOX2 gene. It is expected to result in an absent or disrupted protein product. Loss-of-function variants in DUOX2 are known to be pathogenic (PMID: 12110737, 18765513, 21565790, 24423310, 24735383). This variant is not present in population databases (gnomAD no frequency). This variant has not been reported in the literature in individuals affected with DUOX2-related conditions. For these reasons, this variant has been classified as Pathogenic.

Literature cited by the submitters: PubMed 12110737 (cited by Labcorp Genetics (formerly Invitae), Labcorp); PubMed 18765513 (cited by Labcorp Genetics (formerly Invitae), Labcorp); PubMed 21565790 (cited by Labcorp Genetics (formerly Invitae), Labcorp); PubMed 24423310 (cited by Labcorp Genetics (formerly Invitae), Labcorp); PubMed 24735383 (cited by Labcorp Genetics (formerly Invitae), Labcorp).

NM_001363711.2(DUOX2):c.2413G>T (p.Glu805Ter)

Gene: DUOX2 (dual oxidase 2; minus strand). Cytogenetic location: 15q21.1.
Variant type: single nucleotide variant.
Coding change: c.2413G>T on transcript NM_001363711.2 (MANE Select); coding-DNA position 2413, G replaced by T.
Protein change: p.Glu805Ter; replaces glutamic acid 805 with a stop codon.
Molecular consequence: nonsense.
Genome position (GRCh38, 1-based): chr15:45,104,287, C>A on the plus strand (G>T on the coding strand, the complement: DUOX2 is on the minus strand). VCF-style: chr15-45104287-C-A. GRCh37 (hg19) VCF-style: chr15-45396485-C-A.
Other names: c.2413G>T, p.Glu805Ter (NM_014080.5); c.2413G>T (NM_014080.4); short protein forms E805*.
Identifiers: ClinVar variation 2701361 (VCV002701361.4), dbSNP rs756995727, ClinGen allele CA392269748.
Genomic context (GRCh38, chr15:45,104,287, plus strand): 5'-CCACAAACATGTCCTGGGGCTTGAGGCCCAGGGACTCGGCAAACTCGGCCCTGCTCAGCT[C>A]GCAGGTCAGGGCCTCCCGCACCTTCTGGGAGGAGTCCAGGGGCAGGGTCCCTGCGTCGGC-3'